The following is an entry in ClinVar:

ClinVar aggregate classification (germline): Likely benign (1 of 4 stars; one submission).

Allele frequency attached by ClinVar (database versions not stated): gnomAD exomes 0.00001; ExAC 0.00002; gnomAD 0.00002; TOPMed 0.00002.
gnomAD v4.1: 19 of 1,613,962 alleles (0.0012%); highest among the groups gnomAD compares: Non-Finnish European, 0.0015%; no homozygotes.

Submission:

ARUP Laboratories, Molecular Genetics and Genomics, ARUP Laboratories
Classification: Likely benign. Last evaluated: 2017-11-24. Review status: criteria provided, single submitter. Criteria: ARUP Molecular Germline Variant Investigation Process. Collection method: clinical testing. Allele origin: germline.
Comment: The c.1789T>C variant (rs755053781) does not alter the amino acid sequence of the TEK protein and computational splice site prediction algorithms do not predict a change in the nearest splice site or creation of a cryptic splice site. This variant has not been reported in association with vascular malformations in medical literature or in gene specific variation databases. This variant has been identified in the genome Aggregation Database (gnomAD) on 2 out of 245,994 chromosomes. Based on these observations, the c.1789T>C variant is likely to be benign.

NM_000459.5(TEK):c.1789T>C (p.Leu597=)

Gene: TEK (TEK receptor tyrosine kinase; plus strand). Cytogenetic location: 9p21.2.
Variant type: single nucleotide variant.
Coding change: c.1789T>C on transcript NM_000459.5 (MANE Select); coding-DNA position 1789, T replaced by C.
Protein change: p.Leu597=; no amino-acid change (leucine 597 retained).
Molecular consequence: synonymous variant.
Genome position (GRCh38, 1-based): chr9:27,197,479, T>C. VCF-style: chr9-27197479-T-C. GRCh37 (hg19) VCF-style: chr9-27197477-T-C.
Other names: c.1660T>C, p.Leu554= (NM_001290077.2, NM_001375476.1); c.1348T>C, p.Leu450= (NM_001290078.2); c.1789T>C, p.Leu597= (NM_001375475.1).
Identifiers: ClinVar variation 618423 (VCV000618423.9), dbSNP rs755053781, ClinGen allele CA5016323.